The following is an entry in ClinVar:

ClinVar aggregate classification (germline): Benign/Likely benign. Review status: criteria provided, multiple submitters, no conflicts (2 of 4 stars). 3 submissions from 3 submitters: Benign (1); Likely benign (1). 1 of the submissions does not count toward it. Last evaluated 2024-07-24.

Conditions:
CREBBP-related disorder. Also called: CREBBP-related disorders; CREBBP-related condition.
Rubinstein-Taybi syndrome (RSTS). Identifiers: Orphanet 783, MedGen C0035934, MONDO:0019188.
Inborn genetic diseases. Identifiers: MedGen C0950123, MeSH D030342.

Allele frequency attached by ClinVar (database versions not stated): ExAC 0.00001; gnomAD exomes 0.00003; gnomAD 0.00009; TOPMed 0.00012; ESP Exome Variant Server 0.00015.
gnomAD v4.1: 37 of 1,609,506 alleles (0.0023%); highest among the groups gnomAD compares: African/African-American, 0.027%; no homozygotes.

Submissions (3):

Labcorp Genetics (formerly Invitae), Labcorp
Classification: Benign for Rubinstein-Taybi syndrome. Last evaluated: 2024-07-24. Review status: criteria provided, single submitter. Criteria: Invitae Variant Classification Sherloc (09022015). Collection method: clinical testing. Allele origin: germline.

Ambry Genetics
Classification: Likely benign for Inborn genetic diseases. Last evaluated: 2017-06-02. Review status: criteria provided, single submitter. Criteria: Ambry Variant Classification Scheme 2023. Collection method: clinical testing. Allele origin: germline.

PreventionGenetics, part of Exact Sciences
Classification: Likely benign for CREBBP-related condition. Last evaluated: 2021-11-05. Review status: no assertion criteria provided. Collection method: clinical testing. Allele origin: germline. Not counted in ClinVar's aggregate classification.
Comment: This variant is classified as likely benign based on ACMG/AMP sequence variant interpretation guidelines (Richards et al. 2015 PMID: 25741868, with internal and published modifications).

NM_004380.3(CREBBP):c.5667G>A (p.Pro1889=)

Gene: CREBBP (CREB binding lysine acetyltransferase; minus strand). Cytogenetic location: 16p13.3.
Variant type: single nucleotide variant.
Coding change: c.5667G>A on transcript NM_004380.3 (MANE Select); coding-DNA position 5667, G replaced by A.
Protein change: p.Pro1889=; no amino-acid change (proline 1889 retained).
Molecular consequence: synonymous variant.
Genome position (GRCh38, 1-based): chr16:3,729,380, C>T on the plus strand (G>A on the coding strand, the complement: CREBBP is on the minus strand). VCF-style: chr16-3729380-C-T. GRCh37 (hg19) VCF-style: chr16-3779381-C-T.
Other names: c.5553G>A, p.Pro1851= (NM_001079846.1).
Identifiers: ClinVar variation 589783 (VCV000589783.10), dbSNP rs377023934, ClinGen allele CA7869260.